The following is an entry in ClinVar:

NM_003384.3(VRK1):c.865dup (p.Cys289fs)

Gene: VRK1 (VRK serine/threonine kinase 1; plus strand). Cytogenetic location: 14q32.2.
Variant type: Duplication.
Coding change: c.865dup on transcript NM_003384.3 (MANE Select); coding-DNA position 865, one base duplicated (T; older notation c.865dupT).
Protein change: p.Cys289fs; shifts the reading frame from cysteine 289.
Molecular consequence: frameshift variant.
Genome position (GRCh38, 1-based): chr14:96,856,562, T duplicated. VCF-style (leftmost placement, unchanged base first): chr14-96856561-A-AT. GRCh37 (hg19) VCF-style: chr14-97322898-A-AT.
Other names: c.865dup, p.Cys289fs (NM_001411051.1, NM_001411053.1); short protein forms C289fs.
Identifiers: ClinVar variation 4291770 (VCV004291770.1).

ClinVar aggregate classification (germline): Likely pathogenic (1 of 4 stars; one submission).

Conditions:
Neuronopathy, distal hereditary motor, autosomal recessive 10 (HMNR10). Also called: NEUROPATHY, DISTAL HEREDITARY MOTOR, AUTOSOMAL RECESSIVE 10; VRK1-RELATED MOTOR NEURON DISEASE. Identifiers: MedGen C5882703, MONDO:0957876, OMIM 620542.

Submission:

3billion
Classification: Likely pathogenic for Neuronopathy, distal hereditary motor, autosomal recessive 10. Last evaluated: 2024-08-28. Review status: criteria provided, single submitter. Criteria: ACMG Guidelines, 2015. Collection method: clinical testing. Allele origin: germline. Affected: yes.
Comment: The variant is not observed in the gnomAD v4.0.0 dataset. Predicted Consequence/Location: Frameshift: predicted to result in a loss or disruption of normal protein function through nonsense-mediated decay (NMD) or protein truncation. Multiple pathogenic variants are reported downstream of the variant. Therefore, this variant is classified as Likely pathogenic according to the recommendation of ACMG/AMP guideline.